The following is an entry in ClinVar:

ClinVar aggregate classification (germline): Pathogenic (1 of 4 stars; one submission).

Conditions:
Neurofibromatosis, type 1 (NF1). Also called: NEUROFIBROMATOSIS, TYPE I, SOMATIC; VON RECKLINGHAUSEN DISEASE; Peripheral type neurofibromatosis; Neurofibromatosis, type I. Identifiers: Orphanet 636, MedGen C0027831, MONDO:0018975, OMIM 162200. Disease mechanism: loss of function.

Submission:

Labcorp Genetics (formerly Invitae), Labcorp
Classification: Pathogenic for Neurofibromatosis, type 1. Last evaluated: 2021-07-13. Review status: criteria provided, single submitter. Criteria: Invitae Variant Classification Sherloc (09022015). Collection method: clinical testing. Allele origin: germline.
Comment: This variant is not present in population databases (ExAC no frequency). This sequence change creates a premature translational stop signal (p.Thr1609Aspfs*11) in the NF1 gene. It is expected to result in an absent or disrupted protein product. Loss-of-function variants in NF1 are known to be pathogenic (PMID: 10712197, 23913538). This variant has not been reported in the literature in individuals with NF1-related conditions. For these reasons, this variant has been classified as Pathogenic.

Literature cited by the submitters: PubMed 10712197; PubMed 23913538.

NM_001042492.3(NF1):c.4886dup (p.Thr1630fs)

Gene: NF1 (neurofibromin 1; plus strand). Cytogenetic location: 17q11.2.
Variant type: Duplication.
Coding change: c.4886dup on transcript NM_001042492.3 (MANE Select); coding-DNA position 4886, one base duplicated (T; older notation c.4886dupT).
Protein change: p.Thr1630fs; shifts the reading frame from threonine 1630.
Molecular consequence: frameshift variant.
Genome position (GRCh38, 1-based): chr17:31,325,870, T duplicated. VCF-style (leftmost placement, unchanged base first): chr17-31325869-C-CT. GRCh37 (hg19) VCF-style: chr17-29652887-C-CT.
Other names: c.4823dup, p.Thr1609Aspfs (NM_000267.4); short protein forms T1609fs, T1630fs.
Identifiers: ClinVar variation 1449159 (VCV001449159.6), dbSNP rs2151537662, ClinGen allele CA2573153680.